The following is an entry in ClinVar:

NM_001267550.2(TTN):c.9304A>T (p.Arg3102Ter)

Gene: TTN (titin; minus strand). Cytogenetic location: 2q31.2.
Variant type: single nucleotide variant.
Coding change: c.9304A>T on transcript NM_001267550.2 (MANE Select); coding-DNA position 9304, A replaced by T.
Protein change: p.Arg3102Ter; replaces arginine 3102 with a stop codon.
Molecular consequence: nonsense.
Genome position (GRCh38, 1-based): chr2:178,768,015, T>A on the plus strand (A>T on the coding strand, the complement: TTN is on the minus strand). VCF-style: chr2-178768015-T-A. GRCh37 (hg19) VCF-style: chr2-179632742-T-A.
Other names: c.9304A>T, p.Arg3102Ter (NM_001256850.1, NM_133378.4, NM_133379.5); c.9166A>T, p.Arg3056Ter (NM_003319.4, NM_133432.3, NM_133437.4); short protein forms R3056*, R3102*.
Identifiers: ClinVar variation 4787093 (VCV004787093.1).

ClinVar aggregate classification (germline): Likely pathogenic (1 of 4 stars; one submission).

Conditions:
Autosomal recessive limb-girdle muscular dystrophy type 2J (LGMDR10). Also called: Limb-girdle muscular dystrophy, type 2J; MUSCULAR DYSTROPHY, LIMB-GIRDLE, AUTOSOMAL RECESSIVE 10. Identifiers: Orphanet 140922, MedGen C1837342, MONDO:0012127, OMIM 608807.
Dilated cardiomyopathy 1G (CMD1G). Identifiers: Orphanet 154, MedGen C1858763, MONDO:0011400, OMIM 604145.

Submission:

Labcorp Genetics (formerly Invitae), Labcorp
Classification: Likely pathogenic for Dilated cardiomyopathy 1G; Autosomal recessive limb-girdle muscular dystrophy type 2J. Last evaluated: 2025-12-21. Review status: criteria provided, single submitter. Criteria: Invitae Variant Classification Sherloc (09022015). Collection method: clinical testing. Allele origin: germline.
Comment: This sequence change creates a premature translational stop signal (p.Arg3102*) in the TTN gene. While this is not anticipated to result in nonsense mediated decay, it is expected to create a truncated TTN protein. This variant is not present in population databases (gnomAD no frequency). This variant has not been reported in the literature in individuals affected with TTN-related conditions. This variant is located in the I band of TTN (PMID: 25589632). Truncating variants in this region have been reported in individuals affected with autosomal recessive centronuclear myopathy (PMID: 23975875, internal data). Truncating variants in this region have also been identified in individuals affected with autosomal dominant dilated cardiomyopathy and/or cardio-related conditions (PMID: 27869827, 32964742, internal data). In summary, the currently available evidence indicates that the variant is pathogenic, but additional data are needed to prove that conclusively. Therefore, this variant has been classified as Likely Pathogenic.

Literature cited by the submitters: PubMed 25589632; PubMed 23975875; PubMed 27869827; PubMed 32964742.